The following is an entry in ClinVar:

NM_000091.5(COL4A3):c.4615_4617dup (p.Arg1539dup)

Genes: COL4A3 (collagen type IV alpha 3 chain; plus strand), MFF-DT (MFF divergent transcript; minus strand). Cytogenetic location: 2q36.3.
Variant type: Duplication.
Coding change: c.4615_4617dup on transcript NM_000091.5 (MANE Select); coding-DNA positions 4615 to 4617, 3 bases duplicated (AGA; older notation c.4615_4617dupAGA).
Protein change: p.Arg1539dup; duplicates arginine 1539.
Molecular consequence: inframe insertion.
Genome position (GRCh38, 1-based): chr2:227,309,051-227,309,053, AGA duplicated. VCF-style (leftmost placement, unchanged base first): chr2-227309050-C-CAGA. GRCh37 (hg19) VCF-style: chr2-228173766-C-CAGA.
Other names: c.4615_4617dupAGA (NM_000091.4).
Identifiers: ClinVar variation 558114 (VCV000558114.4), dbSNP rs773268719, ClinGen allele CA2147579.

ClinVar aggregate classification (germline): Uncertain significance. Review status: criteria provided, single submitter (1 of 4 stars). 2 submissions from 2 submitters: Uncertain significance (1). 1 of the submissions does not count toward it. Last evaluated 2025-06-18.

Conditions:
Autosomal recessive Alport syndrome (ATS2). Also called: COL4A3-Related Nephropathy; ALPORT SYNDROME 2, AUTOSOMAL RECESSIVE; COL4A4 Alport Syndrome and Thin Basement Membrane Nephropathy; Alport syndrome type 2. Identifiers: Orphanet 63, Orphanet 88919, MedGen C4746745, MONDO:0008762, OMIM 203780.

Allele frequency attached by ClinVar (database versions not stated): gnomAD exomes below 0.00001; TOPMed 0.00001; ExAC 0.00001; gnomAD 0.00002.

Submissions (2):

Dasa
Classification: Uncertain significance. Last evaluated: 2025-06-18. Review status: criteria provided, single submitter. Criteria: DASA Assertion Criteria. Collection method: clinical testing. Allele origin: germline.
Comment: NM_000091.5(COL4A3):c.4615_4617dup (p.Arg1539dup) is an in-frame duplication predicted to duplicate arginine at protein position 1539 without shifting the reading frame. This variant is rare in population databases. The currently available literature and clinical evidence are not sufficient to establish a definitive association between this variant and the reported condition. Therefore, this variant is classified as a variant of uncertain significance.

Counsyl
Classification: Uncertain significance for Autosomal recessive Alport syndrome. Last evaluated: 2018-04-30. Review status: no assertion criteria provided. Collection method: clinical testing. Allele origin: unknown. Not counted in ClinVar's aggregate classification.